The following is an entry in ClinVar:

NM_000388.4(CASR):c.2391_2420delinsTCCGGACTTCAAGTGCCCGGAAGCTGTC (p.Glu799fs)

Gene: CASR (calcium sensing receptor; plus strand). Cytogenetic location: 3q21.1.
Variant type: Indel.
Coding change: c.2391_2420delinsTCCGGACTTCAAGTGCCCGGAAGCTGTC on transcript NM_000388.4 (MANE Select); coding-DNA positions 2391 to 2420, GCCGGAGAACTTCAATGAAGCCAAGTTCAT replaced by TCCGGACTTCAAGTGCCCGGAAGCTGTC.
Protein change: p.Glu799fs; shifts the reading frame from glutamic acid 799.
Molecular consequence: frameshift variant.
Genome position (GRCh38, 1-based): chr3:122,284,345-122,284,374, GCCGGAGAACTTCAATGAAGCCAAGTTCAT replaced by TCCGGACTTCAAGTGCCCGGAAGCTGTC. GRCh37 (hg19): chr3:122,003,192-122,003,221.
Other names: c.2421_2450delinsTCCGGACTTCAAGTGCCCGGAAGCTGTC, p.Glu809fs (NM_001178065.2); short protein forms E799fs, E809fs.
Identifiers: ClinVar variation 4784697 (VCV004784697.1).

ClinVar aggregate classification (germline): Pathogenic (1 of 4 stars; one submission).

Conditions:
Autosomal dominant hypocalcemia 1 (HYPOC1). Also called: HYPOCALCEMIA, FAMILIAL. Identifiers: MedGen C3715128, MONDO:0011013, OMIM 601198.
Familial hypocalciuric hypercalcemia (FHH). Also called: Familial benign hypercalcemia. Identifiers: Orphanet 405, MedGen C1809471, MONDO:0018458.

Submission:

Labcorp Genetics (formerly Invitae), Labcorp
Classification: Pathogenic for Familial hypocalciuric hypercalcemia; Autosomal dominant hypocalcemia 1. Last evaluated: 2025-04-12. Review status: criteria provided, single submitter. Criteria: Invitae Variant Classification Sherloc (09022015). Collection method: clinical testing. Allele origin: germline.
Comment: This sequence change creates a premature translational stop signal (p.Glu799Aspfs*181) in the CASR gene. While this is not anticipated to result in nonsense mediated decay, it is expected to disrupt the last 280 amino acid(s) of the CASR protein. This variant is not present in population databases (gnomAD no frequency). This variant has not been reported in the literature in individuals affected with CASR-related conditions. This variant disrupts a region of the CASR protein in which other variant(s) (p.Arg886Pro) have been determined to be pathogenic (PMID: 11807402, 20798521). This suggests that this is a clinically significant region of the protein, and that variants that disrupt it are likely to be disease-causing. For these reasons, this variant has been classified as Pathogenic.

Literature cited by the submitters: PubMed 11807402; PubMed 20798521.